The following is an entry in ClinVar:

NM_004360.5(CDH1):c.1257T>C (p.Asp419=)

Gene: CDH1 (cadherin 1; plus strand). Cytogenetic location: 16q22.1.
Variant type: single nucleotide variant.
Coding change: c.1257T>C on transcript NM_004360.5 (MANE Select); coding-DNA position 1257, T replaced by C.
Protein change: p.Asp419=; no amino-acid change (aspartic acid 419 retained).
Molecular consequence: synonymous variant. On other transcripts: 5 prime UTR variant (2), intron variant (1).
Genome position (GRCh38, 1-based): chr16:68,813,432, T>C. VCF-style: chr16-68813432-T-C. GRCh37 (hg19) VCF-style: chr16-68847335-T-C.
Other names: c.1257T>C (LRG_301t1); c.-359T>C (NM_001317185.2); c.-563T>C (NM_001317186.2); c.1137+1169T>C (NM_001317184.2).
Identifiers: ClinVar variation 230776 (VCV000230776.14), dbSNP rs876658765, ClinGen allele CA10580108.

ClinVar aggregate classification (germline): Benign/Likely benign. Review status: criteria provided, multiple submitters, no conflicts (2 of 4 stars). 3 submissions from 3 submitters: Benign (1); Likely benign (2). Last evaluated 2024-09-18.

Conditions:
Hereditary cancer-predisposing syndrome. Also called: Hereditary Cancer Syndrome; Neoplastic Syndromes, Hereditary; Tumor predisposition; Hereditary neoplastic syndrome. Identifiers: Orphanet 140162, MedGen C0027672, MeSH D009386, MONDO:0015356.
Hereditary diffuse gastric adenocarcinoma (HDGC). Also called: DIFFUSE GASTRIC AND LOBULAR BREAST CANCER SYNDROME. Identifiers: Orphanet 26106, MedGen C1708349, MONDO:0007648, OMIM 137215.

Submissions (3):

Myriad Genetics, Inc.
Classification: Benign for Hereditary diffuse gastric adenocarcinoma. Last evaluated: 2024-09-18. Review status: criteria provided, single submitter. Criteria: Myriad Autosomal Dominant, Autosomal Recessive and X-Linked Classification Criteria (2023). Collection method: clinical testing. Allele origin: unknown.
Comment: This variant is considered benign. This variant is a silent/synonymous amino acid change and it is not expected to impact splicing.

Labcorp Genetics (formerly Invitae), Labcorp
Classification: Likely benign for Hereditary diffuse gastric adenocarcinoma. Last evaluated: 2017-02-23. Review status: criteria provided, single submitter. Criteria: Invitae Variant Classification Sherloc (09022015). Collection method: clinical testing. Allele origin: germline.

Ambry Genetics
Classification: Likely benign for Hereditary cancer-predisposing syndrome. Last evaluated: 2015-03-04. Review status: criteria provided, single submitter. Criteria: Ambry Variant Classification Scheme 2023. Collection method: clinical testing. Allele origin: germline.